The following is an entry in ClinVar:

ClinVar aggregate classification (germline): Uncertain significance (1 of 4 stars; one submission).

Conditions:
Mitochondrial trifunctional protein deficiency. Identifiers: Orphanet 746, MedGen C1969443, MONDO:0012172.

Allele frequency attached by ClinVar (database versions not stated): gnomAD exomes below 0.00001.
gnomAD v4.1: 2 of 1,614,014 alleles (0.00012%); highest among the groups gnomAD compares: African/African-American, 0.0013%; no homozygotes.

Submission:

Labcorp Genetics (formerly Invitae), Labcorp
Classification: Uncertain significance for Mitochondrial trifunctional protein deficiency. Last evaluated: 2022-04-15. Review status: criteria provided, single submitter. Criteria: Invitae Variant Classification Sherloc (09022015). Collection method: clinical testing. Allele origin: germline.
Comment: This sequence change replaces serine, which is neutral and polar, with glycine, which is neutral and non-polar, at codon 220 of the HADHB protein (p.Ser220Gly). This variant is not present in population databases (gnomAD no frequency). This variant has not been reported in the literature in individuals affected with HADHB-related conditions. Algorithms developed to predict the effect of missense changes on protein structure and function (SIFT, PolyPhen-2, Align-GVGD) all suggest that this variant is likely to be tolerated. In summary, the available evidence is currently insufficient to determine the role of this variant in disease. Therefore, it has been classified as a Variant of Uncertain Significance.

NM_000183.3(HADHB):c.658A>G (p.Ser220Gly)

Gene: HADHB (hydroxyacyl-CoA dehydrogenase trifunctional multienzyme complex subunit beta; plus strand). Cytogenetic location: 2p23.3.
Variant type: single nucleotide variant.
Coding change: c.658A>G on transcript NM_000183.3 (MANE Select); coding-DNA position 658, A replaced by G.
Protein change: p.Ser220Gly; replaces serine 220 with glycine.
Molecular consequence: missense variant.
Genome position (GRCh38, 1-based): chr2:26,279,162, A>G. VCF-style: chr2-26279162-A-G. GRCh37 (hg19) VCF-style: chr2-26502030-A-G.
Other names: c.613A>G, p.Ser205Gly (NM_001281512.2); c.592A>G, p.Ser198Gly (NM_001281513.2); short protein forms S198G, S220G, S205G.
Identifiers: ClinVar variation 1941237 (VCV001941237.5), dbSNP rs2465720302, ClinGen allele CA346092887.